The following is an entry in ClinVar:

ClinVar aggregate classification (germline): Benign. Review status: criteria provided, multiple submitters, no conflicts (2 of 4 stars). 7 submissions from 7 submitters: Benign (7). Last evaluated 2026-02-01.

Conditions:
Anemia, congenital dyserythropoietic, type 1a (CDAN1A). Also called: DYSERYTHROPOIETIC ANEMIA, CONGENITAL, TYPE Ia; CDAN1-Related Congenital Dyserythropoietic Anemia. Identifiers: MedGen C5574667, MONDO:0009135, OMIM 224120.
Congenital dyserythropoietic anemia, type I. Also called: Dyserythropoietic anemia, congenital type 1. Identifiers: Orphanet 98869, MedGen C0271933, MONDO:0020337. Disease mechanism: loss of function.

Allele frequency attached by ClinVar (database versions not stated): gnomAD exomes 0.02138; ExAC 0.02445; ESP Exome Variant Server 0.05721; TOPMed 0.06027; 1000 Genomes Project 0.06629; 1000 Genomes Project 30x 0.06839.

Submissions (7):

Labcorp Genetics (formerly Invitae), Labcorp
Classification: Benign. Last evaluated: 2026-02-01. Review status: criteria provided, single submitter. Criteria: Invitae Variant Classification Sherloc (09022015). Collection method: clinical testing. Allele origin: germline.

ARUP Laboratories, Molecular Genetics and Genomics, ARUP Laboratories
Classification: Benign for Anemia, congenital dyserythropoietic, type 1a. Last evaluated: 2025-07-24. Review status: criteria provided, single submitter. Criteria: ARUP Molecular Germline Variant Investigation Process 2024. Collection method: clinical testing. Allele origin: germline.

Mayo Clinic Laboratories, Mayo Clinic
Classification: Benign. Last evaluated: 2022-09-06. Review status: criteria provided, single submitter. Criteria: ACMG Guidelines, 2015. Collection method: clinical testing. Allele origin: germline. Observed: 135 variant alleles.

GeneDx
Classification: Benign. Last evaluated: 2021-05-05. Review status: criteria provided, single submitter. Criteria: GeneDx Variant Classification Process June 2021. Collection method: clinical testing. Allele origin: germline. Affected: yes.

Illumina Laboratory Services, Illumina
Classification: Benign for Anemia, congenital dyserythropoietic, type 1a. Last evaluated: 2018-01-13. Review status: criteria provided, single submitter. Criteria: ICSL Variant Classification Criteria 13 December 2019. Collection method: clinical testing. Allele origin: germline.
Comment: This variant was observed in the ICSL laboratory as part of a predisposition screen in an ostensibly healthy population. It had not been previously curated by ICSL or reported in the Human Gene Mutation Database (HGMD: prior to June 1st, 2018), and was therefore a candidate for classification through an automated scoring system. Utilizing variant allele frequency, disease prevalence and penetrance estimates, and inheritance mode, an automated score was calculated to assess if this variant is too frequent to cause the disease. Based on the score and internal cut-off values, a variant classified as benign is not then subjected to further curation. The score for this variant resulted in a classification of benign for this disease.

Breakthrough Genomics
Classification: Benign. Review status: criteria provided, single submitter. Criteria: ACMG Guidelines, 2015. Collection method: not provided. Allele origin: germline. Inheritance: Autosomal recessive inheritance. Affected: yes.

PreventionGenetics, part of Exact Sciences
Classification: Benign. Review status: criteria provided, single submitter. Criteria: ACMG Guidelines, 2015. Collection method: clinical testing. Allele origin: germline.

NM_138477.4(CDAN1):c.1969G>A (p.Gly657Ser)

Gene: CDAN1 (codanin 1; minus strand). Cytogenetic location: 15q15.2.
Variant type: single nucleotide variant.
Coding change: c.1969G>A on transcript NM_138477.4 (MANE Select); coding-DNA position 1969, G replaced by A.
Protein change: p.Gly657Ser; replaces glycine 657 with serine.
Molecular consequence: missense variant.
Genome position (GRCh38, 1-based): chr15:42,730,963, C>T on the plus strand (G>A on the coding strand, the complement: CDAN1 is on the minus strand). VCF-style: chr15-42730963-C-T. GRCh37 (hg19) VCF-style: chr15-43023161-C-T.
Other names: p.Gly657Ser; c.1969G>A, p.Gly657Ser (LRG_1164t1); short protein forms G657S.
Identifiers: ClinVar variation 262368 (VCV000262368.30), dbSNP rs61747153, ClinGen allele CA7515868.
Genomic context (GRCh38, chr15:42,730,963, plus strand): 5'-CCAGAATCCCCCGCCCATTCACCTGGCTCCTGAGGGCCAGAATGGAGTCCTGAAGCTCAC[C>T]GGTCGGGGGAGGTTCAGGCCCCCGGTATGGCAGGAAAGCCACAAAGCCCAGGAATTTAGC-3'
Protein context (NP_612486.2, residues 647-667): PYRGPEPPPT[Gly657Ser]ELQDSILALR